The following is an entry in ClinVar:

NM_152617.4(RNF168):c.690A>C (p.Thr230=)

Gene: RNF168 (ring finger protein 168; minus strand). Cytogenetic location: 3q29.
Variant type: single nucleotide variant.
Coding change: c.690A>C on transcript NM_152617.4 (MANE Select); coding-DNA position 690, A replaced by C.
Protein change: p.Thr230=; no amino-acid change (threonine 230 retained).
Molecular consequence: synonymous variant.
Genome position (GRCh38, 1-based): chr3:196,475,303, T>G on the plus strand (A>C on the coding strand, the complement: RNF168 is on the minus strand). VCF-style: chr3-196475303-T-G. GRCh37 (hg19) VCF-style: chr3-196202174-T-G.
Identifiers: ClinVar variation 744405 (VCV000744405.5), dbSNP rs1577508946, ClinGen allele CA437792389.
Genomic context (GRCh38, chr3:196,475,303, plus strand): 5'-GTCTTTCCTGACTTCTTGTACAGCTTCAGAGTGTGAGGCTGACCCAAACTGAGATTTCGG[T>G]GTCAAATACCTAAAAGAAAAGTTTACCAAAGTTTCAATGCTTTCAAAGACAGATGGTATG-3'
Protein context (NP_689830.2, residues 220-240): RNTGDIQKYL[Thr230=]PKSQFGSASH

ClinVar aggregate classification (germline): Likely benign. Review status: criteria provided, single submitter (1 of 4 stars). 2 submissions from 2 submitters: Likely benign (1). 1 of the submissions does not count toward it. Last evaluated 2018-12-13.

Conditions:
RNF168-related disorder. Also called: RNF168-related condition.

Submissions (2):

Labcorp Genetics (formerly Invitae), Labcorp
Classification: Likely benign. Last evaluated: 2018-12-13. Review status: criteria provided, single submitter. Criteria: Invitae Variant Classification Sherloc (09022015). Collection method: clinical testing. Allele origin: germline.

PreventionGenetics, part of Exact Sciences
Classification: Likely benign for RNF168-related condition. Last evaluated: 2020-01-07. Review status: no assertion criteria provided. Collection method: clinical testing. Allele origin: germline. Not counted in ClinVar's aggregate classification.
Comment: This variant is classified as likely benign based on ACMG/AMP sequence variant interpretation guidelines (Richards et al. 2015 PMID: 25741868, with internal and published modifications).